The following is an entry in ClinVar:

NM_000257.4(MYH7):c.4353+5G>A

Genes: MHRT (myosin heavy chain associated RNA transcript; plus strand), MYH7 (myosin heavy chain 7; minus strand). Cytogenetic location: 14q11.2.
Variant type: single nucleotide variant.
Coding change: c.4353+5G>A on transcript NM_000257.4 (MANE Select); 5 bases into the intron after coding-DNA position 4353, G replaced by A.
Molecular consequence: intron variant.
Genome position (GRCh38, 1-based): chr14:23,417,498, C>T on the plus strand (G>A on the coding strand, the complement: MYH7 is on the minus strand). VCF-style: chr14-23417498-C-T. GRCh37 (hg19) VCF-style: chr14-23886707-C-T.
Other names: c.4353+5G>A (LRG_384t1).
Identifiers: ClinVar variation 181255 (VCV000181255.19), dbSNP rs200436876, ClinGen allele CA014870.
Genomic context (GRCh38, chr14:23,417,498, plus strand): 5'-CTCTCACTGAACCCCTCATGCCCCCTTGCCCTGCATGCTGGCTGCGGCCCCCACCCAGGG[C>T]CCACCTTGTCGAAGTTCCTCTGCTTCTTGTCCAGGGCTGCAGCAGCAGCATTGGAGCGCT-3'

ClinVar aggregate classification (germline): Uncertain significance. Review status: criteria provided, multiple submitters, no conflicts (2 of 4 stars). 6 submissions from 6 submitters: Uncertain significance (6). Last evaluated 2025-06-30.

Conditions:
Cardiovascular phenotype. Identifiers: MedGen CN230736.
Cardiomyopathy (CMYO). Also called: Cardiomyopathies. Identifiers: Orphanet 167848, MedGen C0878544, MONDO:0004994, HP:0001638. Inheritance: Various modes of inheritance.
Hypertrophic cardiomyopathy. Also called: HYPERTROPHIC MYOCARDIOPATHY. Identifiers: Orphanet 217569, MedGen C0007194, MeSH D002312, MONDO:0005045, HP:0001639.

Allele frequency attached by ClinVar (database versions not stated): gnomAD 0.00006; TOPMed 0.00005; 1000 Genomes Project 30x 0.00031; 1000 Genomes Project 0.00040; gnomAD exomes 0.00001.
gnomAD v4.1: 25 of 1,612,316 alleles (0.0016%); highest among the groups gnomAD compares: African/African-American, 0.017%; no homozygotes.

Submissions (6):

Ambry Genetics
Classification: Uncertain significance for Cardiovascular phenotype. Last evaluated: 2025-06-30. Review status: criteria provided, single submitter. Criteria: Ambry Variant Classification Scheme 2023. Collection method: clinical testing. Allele origin: germline.
Comment: The c.4353+5G>A intronic variant results from a G to A substitution 5 nucleotides after coding exon 29 in the MYH7 gene. This variant was reported in a hypertrophic cardiomyopathy case with limited clinical details provided and in a dilated cardiomyopathy case (Viswanathan SK et al. PLoS ONE, 2017 Nov;12:e0187948; Ambry internal data). This nucleotide position is well conserved in available vertebrate species. In silico splice site analysis predicts that this alteration may result in the creation or strengthening of a novel splice donor site. Since supporting evidence is limited at this time, the clinical significance of this alteration remains unclear.

Labcorp Genetics (formerly Invitae), Labcorp
Classification: Uncertain significance for Hypertrophic cardiomyopathy. Last evaluated: 2024-11-11. Review status: criteria provided, single submitter. Criteria: Invitae Variant Classification Sherloc (09022015). Collection method: clinical testing. Allele origin: germline.
Comment: This sequence change falls in intron 31 of the MYH7 gene. It does not directly change the encoded amino acid sequence of the MYH7 protein. It affects a nucleotide within the consensus splice site. This variant is present in population databases (rs200436876, gnomAD 0.02%). This variant has been observed in individual(s) with clinical features of MYH7-related conditions (PMID: 29121657). ClinVar contains an entry for this variant (Variation ID: 181255). Variants that disrupt the consensus splice site are a relatively common cause of aberrant splicing (PMID: 17576681, 9536098). Algorithms developed to predict the effect of sequence changes on RNA splicing suggest that this variant is not likely to affect RNA splicing. In summary, the available evidence is currently insufficient to determine the role of this variant in disease. Therefore, it has been classified as a Variant of Uncertain Significance.

All of Us Research Program, National Institutes of Health
Classification: Uncertain significance for Cardiomyopathy. Last evaluated: 2024-08-06. Review status: criteria provided, single submitter. Criteria: ACMG Guidelines, 2015. Collection method: clinical testing. Allele origin: germline. Inheritance: Autosomal dominant inheritance. Observed: 6 variant alleles, 6 heterozygotes.
Comment: This variant causes a G to A nucleotide substitution at the +5 position of intron 31 of the MYH7 gene. Splice site prediction tools are suggest that this variant may strengthen a novel splice donor site. To our knowledge, functional studies have not been reported for this variant. This variant has been reported in an individual affected with hypertrophic cardiomyopathy (PMID: 29121657). This variant has been identified in 5/282628 chromosomes in the general population by the Genome Aggregation Database (gnomAD). The available evidence is insufficient to determine the role of this variant in disease conclusively. Therefore, this variant is classified as a Variant of Uncertain Significance.

This study involves interpretation of variants in research participants for the purpose of population health screening. Participant phenotype was not available at the time of variant classification. Additional details can be found in publication PMID: 35346344, PMCID: PMC8962531

Color Diagnostics, LLC DBA Color Health
Classification: Uncertain significance for Cardiomyopathy. Last evaluated: 2024-02-05. Review status: criteria provided, single submitter. Criteria: ACMG Guidelines, 2015. Collection method: clinical testing. Allele origin: germline.
Comment: This variant causes a G to A nucleotide substitution at the +5 position of intron 31 of the MYH7 gene. Splice site prediction tools are suggest that this variant may strengthen a novel splice donor site. To our knowledge, functional studies have not been reported for this variant. This variant has been reported in an individual affected with hypertrophic cardiomyopathy (PMID: 29121657). This variant has been identified in 5/282628 chromosomes in the general population by the Genome Aggregation Database (gnomAD). The available evidence is insufficient to determine the role of this variant in disease conclusively. Therefore, this variant is classified as a Variant of Uncertain Significance.

Revvity Omics, Revvity
Classification: Uncertain significance. Last evaluated: 2023-05-31. Review status: criteria provided, single submitter. Criteria: ACMG Guidelines, 2015. Collection method: clinical testing. Allele origin: germline.

GeneDx
Classification: Uncertain significance. Last evaluated: 2017-01-10. Review status: criteria provided, single submitter. Criteria: GeneDx Variant Classification (06012015). Collection method: clinical testing. Allele origin: germline. Affected: yes.
Comment: c.4353+5 G>A: IVS31+5 G>A in intron 31 of the MYH7 gene (NM_000257.2). The c.4353+5 G>A variant in the MYH7 gene has not been reported as a disease-causing mutation or as a benign polymorphism to our knowledge. While two splice algorithms predict c.4353+5 G>A may negatively impact the splice donor site in intron 31, neither predict this variant results in the loss of the splice donor site. The c.4353+5 G>A variant was observed at a frequency of 0.2%, 1/492 alleles, in individuals of African ancestry by the 1000 Genomes database. Although splice site mutations in the MYH7 gene have been reported in association with cardiomyopathy, the vast majority of mutations in MYH7 are missense changes. With the clinical and molecular information available at this time, we cannot definitively determine if c.4353+5 G>A is a disease-causing mutation or a rare benign variant. The variant is found in HCM panel(s).

Literature cited by the submitters: PubMed 29121657 (cited by 4 submitters); PubMed 17576681 (cited by Labcorp Genetics (formerly Invitae), Labcorp); PubMed 9536098 (cited by Labcorp Genetics (formerly Invitae), Labcorp).